The following is an entry in ClinVar:

ClinVar aggregate classification (germline): Benign. Review status: criteria provided, multiple submitters, no conflicts (2 of 4 stars). 3 submissions from 3 submitters: Benign (2). 1 of the submissions does not count toward it. Last evaluated 2021-06-10.

Conditions:
PLCD1-related disorder. Also called: PLCD1-related condition.

Allele frequency attached by ClinVar (database versions not stated): 1000 Genomes Project 0.03155; 1000 Genomes Project 30x 0.03435; gnomAD exomes 0.03868 and 0.04497; ExAC 0.04114; gnomAD 0.04568 and 0.04714; TOPMed 0.04891; ESP Exome Variant Server 0.05205.
gnomAD v4.1: 72,583 of 1,612,130 alleles (4.5%); highest among the groups gnomAD compares: Middle Eastern, 6.4%; 1,790 homozygotes.

Submissions (14):

GeneDx
Classification: Benign. Last evaluated: 2021-06-10. Review status: criteria provided, single submitter. Criteria: GeneDx Variant Classification Process June 2021. Collection method: clinical testing. Allele origin: germline. Affected: yes.

Breakthrough Genomics
Classification: Benign. Review status: criteria provided, single submitter. Criteria: ACMG Guidelines, 2015. Collection method: not provided. Allele origin: germline. Inheritance: Autosomal dominant inheritance. Affected: yes.

PreventionGenetics, part of Exact Sciences
Classification: Benign for PLCD1-related condition. Last evaluated: 2024-01-19. Review status: no assertion criteria provided. Collection method: clinical testing. Allele origin: germline. Not counted in ClinVar's aggregate classification.
Comment: This variant is classified as benign based on ACMG/AMP sequence variant interpretation guidelines (Richards et al. 2015 PMID: 25741868, with internal and published modifications).

Dr. Peter K. Rogan Lab, Western University
No classification provided (evidence only). Condition: Colon adenocarcinoma. Review status: no classification provided. Collection method: in vitro. Allele origin: not applicable. Functional consequence: retained intron. Not counted in ClinVar's aggregate classification.

Dr. Peter K. Rogan Lab, Western University
No classification provided (evidence only). Condition: Uterine corpus endometrial carcinoma. Review status: no classification provided. Collection method: in vitro. Allele origin: not applicable. Functional consequence: retained intron. Not counted in ClinVar's aggregate classification.

Dr. Peter K. Rogan Lab, Western University
No classification provided (evidence only). Condition: Uterine corpus endometrial carcinoma. Review status: no classification provided. Collection method: in vitro. Allele origin: not applicable. Functional consequence: retained intron. Not counted in ClinVar's aggregate classification.

Dr. Peter K. Rogan Lab, Western University
No classification provided (evidence only). Condition: Uterine corpus endometrial carcinoma. Review status: no classification provided. Collection method: in vitro. Allele origin: not applicable. Functional consequence: retained intron. Not counted in ClinVar's aggregate classification.

Dr. Peter K. Rogan Lab, Western University
No classification provided (evidence only). Condition: Malignant lymphoma, large B-cell, diffuse. Review status: no classification provided. Collection method: in vitro. Allele origin: not applicable. Functional consequence: retained intron. Not counted in ClinVar's aggregate classification.

Dr. Peter K. Rogan Lab, Western University
No classification provided (evidence only). Condition: Nonpapillary renal cell carcinoma. Review status: no classification provided. Collection method: in vitro. Allele origin: not applicable. Functional consequence: retained intron. Not counted in ClinVar's aggregate classification.

Dr. Peter K. Rogan Lab, Western University
No classification provided (evidence only). Condition: Thymoma. Review status: no classification provided. Collection method: in vitro. Allele origin: not applicable. Functional consequence: retained intron. Not counted in ClinVar's aggregate classification.

Dr. Peter K. Rogan Lab, Western University
No classification provided (evidence only). Condition: Thymoma. Review status: no classification provided. Collection method: in vitro. Allele origin: not applicable. Functional consequence: retained intron. Not counted in ClinVar's aggregate classification.

Dr. Peter K. Rogan Lab, Western University
No classification provided (evidence only). Condition: Cholangiocarcinoma. Review status: no classification provided. Collection method: in vitro. Allele origin: not applicable. Functional consequence: retained intron. Not counted in ClinVar's aggregate classification.

Dr. Peter K. Rogan Lab, Western University
No classification provided (evidence only). Condition: Uterine carcinosarcoma. Review status: no classification provided. Collection method: in vitro. Allele origin: not applicable. Functional consequence: retained intron. Not counted in ClinVar's aggregate classification.

Dr. Peter K. Rogan Lab, Western University
No classification provided (evidence only). Condition: Malignant tumor of esophagus. Review status: no classification provided. Collection method: in vitro. Allele origin: not applicable. Functional consequence: retained intron. Not counted in ClinVar's aggregate classification.

NM_006225.4(PLCD1):c.691G>A (p.Asp231Asn)

Gene: PLCD1 (phospholipase C delta 1; minus strand). Cytogenetic location: 3p22.2.
Variant type: single nucleotide variant.
Coding change: c.691G>A on transcript NM_006225.4 (MANE Select); coding-DNA position 691, G replaced by A.
Protein change: p.Asp231Asn; replaces aspartic acid 231 with asparagine.
Molecular consequence: missense variant. On other transcripts: non-coding transcript variant (1).
Genome position (GRCh38, 1-based): chr3:38,011,313, C>T on the plus strand (G>A on the coding strand, the complement: PLCD1 is on the minus strand). VCF-style: chr3-38011313-C-T. GRCh37 (hg19) VCF-style: chr3-38052804-C-T.
Other names: NC_000003.11:g.38052804C>T; c.754G>A, p.Asp252Asn (NM_001130964.2); short protein forms D231N, D252N.
Identifiers: ClinVar variation 1249991 (VCV001249991.6), dbSNP rs61755441, ClinGen allele CA2313309.
Genomic context (GRCh38, chr3:38,011,313, plus strand): 5'-CCAGCGCAGGCCCTGCCGCCTCCTCCCGCTGCTGGTGCTGCAGGAACGTCACTAACTGAT[C>T]CACCGACAGAGTCTCCCCTGAGCCCGCGGCCTCGGCGAAGGTGCGGTCGATCTCCACCCG-3'
Protein context (NP_006216.2, residues 221-241): AAGSGETLSV[Asp231Asn]QLVTFLQHQQ